The following is an entry in ClinVar:

ClinVar aggregate classification (germline): Uncertain significance (0 of 4 stars; one submission).

Conditions:
MC3R-related disorder. Also called: MC3R-related condition.

Submission:

PreventionGenetics, part of Exact Sciences
Classification: Uncertain significance for MC3R-related condition. Last evaluated: 2024-04-11. Review status: no assertion criteria provided. Collection method: clinical testing. Allele origin: germline.
Comment: The MC3R c.954C>A variant is predicted to result in the amino acid substitution p.Asn318Lys. To our knowledge, this variant has not been reported in the literature. This variant is reported in 0.0080% of alleles in individuals of African descent in gnomAD. At this time, the clinical significance of this variant is uncertain due to the absence of conclusive functional and genetic evidence.

NM_019888.3(MC3R):c.954C>A (p.Asn318Lys)

Gene: MC3R (melanocortin 3 receptor; plus strand). Cytogenetic location: 20q13.2.
Variant type: single nucleotide variant.
Coding change: c.954C>A on transcript NM_019888.3 (MANE Select); coding-DNA position 954, C replaced by A.
Protein change: p.Asn318Lys; replaces asparagine 318 with lysine.
Molecular consequence: missense variant.
Genome position (GRCh38, 1-based): chr20:56,249,797, C>A. VCF-style: chr20-56249797-C-A. GRCh37 (hg19) VCF-style: chr20-54824853-C-A.
Other names: short protein forms N318K.
Identifiers: ClinVar variation 3352123 (VCV003352123.1).